The following is an entry in ClinVar:

ClinVar aggregate classification (germline): Uncertain significance. Review status: criteria provided, multiple submitters, no conflicts (2 of 4 stars). 2 submissions from 2 submitters: Uncertain significance (2). Last evaluated 2023-01-23.

Conditions:
Inborn genetic diseases. Identifiers: MedGen C0950123, MeSH D030342.

Allele frequency attached by ClinVar (database versions not stated): gnomAD exomes 0.00003; gnomAD 0.00005 and 0.00006; TOPMed 0.00006; ExAC 0.00007.
gnomAD v4.1: 185 of 1,530,008 alleles (0.012%); highest among the groups gnomAD compares: Non-Finnish European, 0.015%; no homozygotes.

Submissions (2):

Ambry Genetics
Classification: Uncertain significance for Inborn genetic diseases. Last evaluated: 2023-01-23. Review status: criteria provided, single submitter. Criteria: Ambry Variant Classification Scheme 2023. Collection method: clinical testing. Allele origin: germline.

Labcorp Genetics (formerly Invitae), Labcorp
Classification: Uncertain significance. Last evaluated: 2022-04-16. Review status: criteria provided, single submitter. Criteria: Invitae Variant Classification Sherloc (09022015). Collection method: clinical testing. Allele origin: germline.
Comment: This sequence change replaces serine, which is neutral and polar, with asparagine, which is neutral and polar, at codon 39 of the SLC9A3 protein (p.Ser39Asn). This variant is present in population databases (rs772053823, gnomAD 0.008%). This variant has not been reported in the literature in individuals affected with SLC9A3-related conditions. ClinVar contains an entry for this variant (Variation ID: 1056882). Algorithms developed to predict the effect of missense changes on protein structure and function are either unavailable or do not agree on the potential impact of this missense change (SIFT: "Not Available"; PolyPhen-2: "Benign"; Align-GVGD: "Not Available"). In summary, the available evidence is currently insufficient to determine the role of this variant in disease. Therefore, it has been classified as a Variant of Uncertain Significance.

NM_004174.4(SLC9A3):c.116G>A (p.Ser39Asn)

Gene: SLC9A3 (solute carrier family 9 member A3). Cytogenetic location: 5p15.33.
Variant type: single nucleotide variant.
Coding change: c.116G>A on transcript NM_004174.4 (MANE Select); coding-DNA position 116, G replaced by A.
Protein change: p.Ser39Asn; replaces serine 39 with asparagine.
Molecular consequence: missense variant.
Genome position (GRCh38, 1-based): chr5:524,207, C>T on the plus strand (G>A on the coding strand, the complement: SLC9A3 is on the minus strand). VCF-style: chr5-524207-C-T. GRCh37 (hg19) VCF-style: chr5-524322-C-T.
Other names: c.116G>A, p.Ser39Asn (NM_001284351.3); c.116G>A (NM_004174.2); short protein forms S39N.
Identifiers: ClinVar variation 1056882 (VCV001056882.7), dbSNP rs772053823, ClinGen allele CA3176414.